The following is an entry in ClinVar:

NM_000268.4(NF2):c.1589A>G (p.Glu530Gly)

Gene: NF2 (NF2, moesin-ezrin-radixin like (MERLIN) tumor suppressor; plus strand). Cytogenetic location: 22q12.2.
Variant type: single nucleotide variant.
Coding change: c.1589A>G on transcript NM_000268.4 (MANE Select); coding-DNA position 1589, A replaced by G.
Protein change: p.Glu530Gly; replaces glutamic acid 530 with glycine.
Molecular consequence: missense variant. On other transcripts: intron variant (3).
Genome position (GRCh38, 1-based): chr22:29,681,453, A>G. VCF-style: chr22-29681453-A-G. GRCh37 (hg19) VCF-style: chr22-30077442-A-G.
Other names: c.1475A>G, p.Glu492Gly (NM_001407053.1, NM_001407056.1); c.1466A>G, p.Glu489Gly (NM_001407054.1, NM_001407058.1, NM_181829.3); c.1463A>G, p.Glu488Gly (NM_001407055.1, NM_181828.3); c.1454A>G, p.Glu485Gly (NM_001407057.1, NM_001407059.1); c.1331A>G, p.Glu444Gly (NM_001407062.1); c.1340A>G, p.Glu447Gly (NM_001407063.1, NM_181830.3, NM_181831.3); c.1055A>G, p.Glu352Gly (NM_001407065.1); c.1589A>G, p.Glu530Gly (NM_001407066.1, NM_016418.5, NM_181825.3 and 1 more transcripts); and 4 more; short protein forms E453G, E447G, E492G, E485G, E488G, E352G, E444G, E489G.
Identifiers: ClinVar variation 3730170 (VCV003730170.3).

ClinVar aggregate classification (germline): Uncertain significance. Review status: criteria provided, multiple submitters, no conflicts (2 of 4 stars). 2 submissions from 2 submitters: Uncertain significance (2). Last evaluated 2025-06-25.

Conditions:
Neurofibromatosis, type 2 (SWNV). Also called: BILATERAL ACOUSTIC NEUROFIBROMATOSIS; NF2-Related Schwannomatosis; SCHWANNOMATOSIS, VESTIBULAR. Identifiers: Orphanet 637, MedGen C0027832, MONDO:0007039, OMIM 101000. Disease mechanism: loss of function.
Hereditary cancer-predisposing syndrome. Also called: Hereditary Cancer Syndrome; Hereditary neoplastic syndrome; Neoplastic Syndromes, Hereditary; Tumor predisposition. Identifiers: Orphanet 140162, MedGen C0027672, MeSH D009386, MONDO:0015356.

Submissions (2):

Ambry Genetics
Classification: Uncertain significance for Hereditary cancer-predisposing syndrome. Last evaluated: 2025-06-25. Review status: criteria provided, single submitter. Criteria: Ambry Variant Classification Scheme 2023. Collection method: clinical testing. Allele origin: germline.
Comment: The p.E530G variant (also known as c.1589A>G), located in coding exon 15 of the NF2 gene, results from an A to G substitution at nucleotide position 1589. The glutamic acid at codon 530 is replaced by glycine, an amino acid with similar properties. This amino acid position is highly conserved in available vertebrate species. In addition, this alteration is predicted to be deleterious by in silico analysis. Based on the available evidence, the clinical significance of this variant remains unclear.

Labcorp Genetics (formerly Invitae), Labcorp
Classification: Uncertain significance for Neurofibromatosis, type 2. Last evaluated: 2024-11-05. Review status: criteria provided, single submitter. Criteria: Invitae Variant Classification Sherloc (09022015). Collection method: clinical testing. Allele origin: germline.
Comment: This sequence change replaces glutamic acid, which is acidic and polar, with glycine, which is neutral and non-polar, at codon 530 of the NF2 protein (p.Glu530Gly). This variant is not present in population databases (gnomAD no frequency). This variant has not been reported in the literature in individuals affected with NF2-related conditions. Invitae Evidence Modeling of protein sequence and biophysical properties (such as structural, functional, and spatial information, amino acid conservation, physicochemical variation, residue mobility, and thermodynamic stability) indicates that this missense variant is expected to disrupt NF2 protein function with a positive predictive value of 80%. In summary, the available evidence is currently insufficient to determine the role of this variant in disease. Therefore, it has been classified as a Variant of Uncertain Significance.